The following is an entry in ClinVar:

NM_001369.3(DNAH5):c.9718A>G (p.Met3240Val)

Gene: DNAH5 (dynein axonemal heavy chain 5; minus strand). Cytogenetic location: 5p15.2.
Variant type: single nucleotide variant.
Coding change: c.9718A>G on transcript NM_001369.3 (MANE Select); coding-DNA position 9718, A replaced by G.
Protein change: p.Met3240Val; replaces methionine 3240 with valine.
Molecular consequence: missense variant.
Genome position (GRCh38, 1-based): chr5:13,769,503, T>C on the plus strand (A>G on the coding strand, the complement: DNAH5 is on the minus strand). VCF-style: chr5-13769503-T-C. GRCh37 (hg19) VCF-style: chr5-13769612-T-C.
Other names: short protein forms M3240V.
Identifiers: ClinVar variation 1767963 (VCV001767963.3), dbSNP rs780654245, ClinGen allele CA3202462.

ClinVar aggregate classification (germline): Uncertain significance. Review status: criteria provided, multiple submitters, no conflicts (2 of 4 stars). 2 submissions from 2 submitters: Uncertain significance (2). Last evaluated 2023-07-19.

Conditions:
Primary ciliary dyskinesia. Also called: Ciliary dyskinesia. Identifiers: Orphanet 244, MedGen C0008780, MONDO:0016575, HP:0012265.

Allele frequency attached by ClinVar (database versions not stated): ExAC 0.00002; gnomAD exomes 0.00002; TOPMed 0.00004; gnomAD 0.00005.
gnomAD v4.1: 34 of 1,613,552 alleles (0.0021%); highest among the groups gnomAD compares: African/African-American, 0.019%; 1 homozygote.

Submissions (2):

Blueprint Genetics
Classification: Uncertain significance. Last evaluated: 2023-07-19. Review status: criteria provided, single submitter. Criteria: ACMG Guidelines, 2015. Collection method: clinical testing. Allele origin: germline.

Ambry Genetics
Classification: Uncertain significance for Primary ciliary dyskinesia. Last evaluated: 2022-08-27. Review status: criteria provided, single submitter. Criteria: Ambry Variant Classification Scheme 2023. Collection method: clinical testing. Allele origin: germline.
Comment: The p.M3240V variant (also known as c.9718A>G), located in coding exon 57 of the DNAH5 gene, results from an A to G substitution at nucleotide position 9718. The methionine at codon 3240 is replaced by valine, an amino acid with highly similar properties. This amino acid position is conserved. In addition, this alteration is predicted to be tolerated by in silico analysis. Since supporting evidence is limited at this time, the clinical significance of this alteration remains unclear.